The following is an entry in ClinVar:

NM_002693.3(POLG):c.340G>A (p.Gly114Arg)

Genes: POLG (DNA polymerase gamma, catalytic subunit; minus strand), POLGARF (POLG alternative reading frame; minus strand). Cytogenetic location: 15q26.1.
Variant type: single nucleotide variant.
Coding change: c.340G>A on transcript NM_002693.3 (MANE Select); coding-DNA position 340, G replaced by A.
Protein change: p.Gly114Arg; replaces glycine 114 with arginine.
Molecular consequence: missense variant.
Genome position (GRCh38, 1-based): chr15:89,333,415, C>T on the plus strand (G>A on the coding strand, the complement: POLG is on the minus strand). VCF-style: chr15-89333415-C-T. GRCh37 (hg19) VCF-style: chr15-89876646-C-T.
Other names: c.340G>A, p.Gly114Arg (NM_001126131.2); short protein forms G114R.
Identifiers: ClinVar variation 2171169 (VCV002171169.2), dbSNP rs772928467, ClinGen allele CA7725129.

ClinVar aggregate classification (germline): Uncertain significance (1 of 4 stars; one submission).

Conditions:
Progressive sclerosing poliodystrophy (MTDPS4A). Also called: Mitochondrial DNA depletion syndrome 4A (Alpers type); ALPERS PROGRESSIVE INFANTILE POLIODYSTROPHY; NEURONAL DEGENERATION OF CHILDHOOD WITH LIVER DISEASE, PROGRESSIVE; Alpers Syndrome; ALPERS DIFFUSE DEGENERATION OF CEREBRAL GRAY MATTER WITH HEPATIC CIRRHOSIS; Alpers-Huttenlocher Syndrome. Identifiers: Orphanet 726, MedGen C0205710, MONDO:0008758, OMIM 203700.

Allele frequency attached by ClinVar (database versions not stated): gnomAD exomes below 0.00001; ExAC 0.00001.
gnomAD v4.1: 1 of 1,606,384 alleles (0.000062%); highest among the groups gnomAD compares: Non-Finnish European, 0.000085%; no homozygotes.

Submission:

Labcorp Genetics (formerly Invitae), Labcorp
Classification: Uncertain significance for Progressive sclerosing poliodystrophy. Last evaluated: 2025-09-21. Review status: criteria provided, single submitter. Criteria: Invitae Variant Classification Sherloc (09022015). Collection method: clinical testing. Allele origin: germline.
Comment: This sequence change replaces glycine, which is neutral and non-polar, with arginine, which is basic and polar, at codon 114 of the POLG protein (p.Gly114Arg). The frequency data for this variant in the population databases is considered unreliable, as metrics indicate poor data quality at this position in the gnomAD database. This variant has not been reported in the literature in individuals affected with POLG-related conditions. ClinVar contains an entry for this variant (Variation ID: 2171169). Invitae Evidence Modeling of protein sequence and biophysical properties (such as structural, functional, and spatial information, amino acid conservation, physicochemical variation, residue mobility, and thermodynamic stability) indicates that this missense variant is expected to disrupt POLG protein function with a positive predictive value of 95%. In summary, the available evidence is currently insufficient to determine the role of this variant in disease. Therefore, it has been classified as a Variant of Uncertain Significance.